The following is an entry in ClinVar:

ClinVar aggregate classification (germline): Pathogenic (1 of 4 stars; one submission).

Conditions:
X-linked Alport syndrome (ATS1). Also called: COL4A5-Related Nephropathy; NEPHROPATHY AND DEAFNESS, X-LINKED. Identifiers: Orphanet 63, Orphanet 88917, MedGen C4746986, MONDO:0010520, OMIM 301050.

Submission:

Fulgent Genetics
Classification: Pathogenic for X-linked Alport syndrome. Last evaluated: 2021-06-30. Review status: criteria provided, single submitter. Criteria: ACMG Guidelines, 2015. Collection method: clinical testing. Allele origin: unknown.
Comment: This variant has been detected in individual(s) who were sent for testing of Renasight - kidney gene panel.

NM_033380.3(COL4A5):c.3932dup (p.Gly1312fs)

Gene: COL4A5 (collagen type IV alpha 5 chain; plus strand). Cytogenetic location: Xq22.3.
Variant type: Duplication.
Coding change: c.3932dup on transcript NM_033380.3 (MANE Select); coding-DNA position 3932, one base duplicated (C; older notation c.3932dupC).
Protein change: p.Gly1312fs; shifts the reading frame from glycine 1312.
Molecular consequence: frameshift variant.
Genome position (GRCh38, 1-based): chrX:108,677,623, C duplicated; the last of 2 consecutive C bases (chrX:108,677,622-108,677,623); duplicating either gives the same sequence. VCF-style (leftmost placement, unchanged base first): chrX-108677621-A-AC. GRCh37 (hg19) VCF-style: chrX-107920851-A-AC.
Other names: c.3914dup, p.Gly1306fs (NM_000495.5); short protein forms G1306fs, G1312fs.
Identifiers: ClinVar variation 1179085 (VCV001179085.2), dbSNP rs2147975121, ClinGen allele CA2499226327.